The following is an entry in ClinVar:

NM_182961.4(SYNE1):c.21832G>A (p.Glu7278Lys)

Gene: SYNE1 (spectrin repeat containing nuclear envelope protein 1; minus strand). Cytogenetic location: 6q25.2.
Variant type: single nucleotide variant.
Coding change: c.21832G>A on transcript NM_182961.4 (MANE Select); coding-DNA position 21832, G replaced by A.
Protein change: p.Glu7278Lys; replaces glutamic acid 7278 with lysine.
Molecular consequence: missense variant.
Genome position (GRCh38, 1-based): chr6:152,220,871, C>T on the plus strand (G>A on the coding strand, the complement: SYNE1 is on the minus strand). VCF-style: chr6-152220871-C-T. GRCh37 (hg19) VCF-style: chr6-152542006-C-T.
Other names: c.21619G>A, p.Glu7207Lys (NM_033071.5); short protein forms E7207K, E7278K.
Identifiers: ClinVar variation 1981494 (VCV001981494.4), dbSNP rs2551505262, ClinGen allele CA366104306.

ClinVar aggregate classification (germline): Uncertain significance (1 of 4 stars; one submission).

Conditions:
Emery-Dreifuss muscular dystrophy 4, autosomal dominant (EDMD4). Also called: EMERY-DREIFUSS MUSCULAR DYSTROPHY 4 WITH VARIABLE FEATURES. Identifiers: Orphanet 261, MedGen C2751807, MONDO:0013071, OMIM 612998.
Autosomal recessive ataxia, Beauce type. Also called: SYNE1 Deficiency; Spinocerebellar ataxia, autosomal recessive 8; ATAXIA, RECESSIVE, OF BEAUCE; SYNE1-Related Autosomal Recessive Cerebellar Ataxia. Identifiers: Orphanet 88644, MedGen C1853116, MONDO:0012549, OMIM 610743.

Allele frequency attached by ClinVar (database versions not stated): gnomAD exomes below 0.00001.
gnomAD v4.1: 1 of 1,614,066 alleles (0.000062%); highest among the groups gnomAD compares: Non-Finnish European, 0.000085%; no homozygotes.

Submission:

Labcorp Genetics (formerly Invitae), Labcorp
Classification: Uncertain significance for Emery-Dreifuss muscular dystrophy 4, autosomal dominant; Autosomal recessive ataxia, Beauce type. Last evaluated: 2022-07-12. Review status: criteria provided, single submitter. Criteria: Invitae Variant Classification Sherloc (09022015). Collection method: clinical testing. Allele origin: germline.
Comment: This sequence change replaces glutamic acid, which is acidic and polar, with lysine, which is basic and polar, at codon 7207 of the SYNE1 protein (p.Glu7207Lys). In summary, the available evidence is currently insufficient to determine the role of this variant in disease. Therefore, it has been classified as a Variant of Uncertain Significance. Algorithms developed to predict the effect of missense changes on protein structure and function (SIFT, PolyPhen-2, Align-GVGD) all suggest that this variant is likely to be disruptive. This variant has not been reported in the literature in individuals affected with SYNE1-related conditions. This variant is not present in population databases (gnomAD no frequency).